The following is an entry in ClinVar:

ClinVar aggregate classification (germline): Uncertain significance (1 of 4 stars; one submission).

Allele frequency attached by ClinVar (database versions not stated): TOPMed 0.00015; gnomAD 0.00016; gnomAD exomes 0.00017; ExAC 0.00019.

Submission:

Labcorp Genetics (formerly Invitae), Labcorp
Classification: Uncertain significance. Last evaluated: 2023-08-30. Review status: criteria provided, single submitter. Criteria: Invitae Variant Classification Sherloc (09022015). Collection method: clinical testing. Allele origin: germline.
Comment: This sequence change creates a premature translational stop signal (p.Leu26Valfs*3) in the CTSB gene. It is expected to result in an absent or disrupted protein product. However, the current clinical and genetic evidence is not sufficient to establish whether loss-of-function variants in CTSB cause disease. This variant is present in population databases (rs776941569, gnomAD 0.03%). This variant has not been reported in the literature in individuals affected with CTSB-related conditions. ClinVar contains an entry for this variant (Variation ID: 2050464). In summary, the available evidence is currently insufficient to determine the role of this variant in disease. Therefore, it has been classified as a Variant of Uncertain Significance.

NM_001908.5(CTSB):c.76_77del (p.Leu26fs)

Genes: CTSB (cathepsin B), LOC121268921 (Sharpr-MPRA regulatory region 10233). Cytogenetic location: 8p23.1.
Variant type: Deletion.
Coding change: c.76_77del on transcript NM_001908.5 (MANE Select); coding-DNA positions 76 to 77, 2 bases deleted.
Protein change: p.Leu26fs; shifts the reading frame from leucine 26.
Molecular consequence: frameshift variant. On other transcripts: 5 prime UTR variant (1).
Genome position: GRCh38 VCF-style: chr8-11853377-CAG-C. GRCh37 (hg19) VCF-style: chr8-11710886-CAG-C.
Other names: c.-178_-177del (NM_001317237.2); c.76_77del, p.Leu26fs (NM_001384714.1, NM_001384723.1, NM_001384724.1 and 8 more transcripts); short protein forms L26fs.
Identifiers: ClinVar variation 2050464 (VCV002050464.2), dbSNP rs776941569, ClinGen allele CA4633197.
Genomic context (GRCh38, chr8:11,853,377, plus strand): 5'-CCCACAGCCTACCTGCCACGTGGTATTCCGTTTGTTGACATAGTTGACCAGCTCATCCGA[CAG>C]GGGATGGAAAGAGGGCCTGCTCCGGGCATTGGCCAACACCAGCAGGCAGCAGAGGGAGGC-3'